The following is an entry in ClinVar:

ClinVar aggregate classification (germline): Uncertain significance (1 of 4 stars; one submission).

Conditions:
Hereditary cancer-predisposing syndrome. Also called: Neoplastic Syndromes, Hereditary; Tumor predisposition; Hereditary Cancer Syndrome; Hereditary neoplastic syndrome. Identifiers: Orphanet 140162, MedGen C0027672, MeSH D009386, MONDO:0015356.

Submission:

Ambry Genetics
Classification: Uncertain significance for Hereditary cancer-predisposing syndrome. Last evaluated: 2025-11-11. Review status: criteria provided, single submitter. Criteria: Ambry Variant Classification Scheme 2023. Collection method: clinical testing. Allele origin: germline.
Comment: The p.K331N variant (also known as c.993A>C), located in coding exon 3 of the AXIN2 gene, results from an A to C substitution at nucleotide position 993. The lysine at codon 331 is replaced by asparagine, an amino acid with similar properties. This amino acid position is conserved. In addition, the in silico prediction for this alteration is inconclusive. Based on the available evidence, the clinical significance of this variant remains unclear.

NM_004655.4(AXIN2):c.993A>C (p.Lys331Asn)

Gene: AXIN2 (axin 2; minus strand). Cytogenetic location: 17q24.1.
Variant type: single nucleotide variant.
Coding change: c.993A>C on transcript NM_004655.4 (MANE Select); coding-DNA position 993, A replaced by C.
Protein change: p.Lys331Asn; replaces lysine 331 with asparagine.
Molecular consequence: missense variant.
Genome position (GRCh38, 1-based): chr17:65,541,521, T>G on the plus strand (A>C on the coding strand, the complement: AXIN2 is on the minus strand). VCF-style: chr17-65541521-T-G. GRCh37 (hg19) VCF-style: chr17-63537639-T-G.
Other names: c.993A>C, p.Lys331Asn (NM_001363813.1); short protein forms K331N.
Identifiers: ClinVar variation 4619750 (VCV004619750.1).
Genomic context (GRCh38, chr17:65,541,521, plus strand): 5'-ATGAGGTAGAGACACTTGGCCATTGGCCTTCACACTGCGATGCATTTCTCTCTGGAGCTG[T>G]TTCTTACTGCCCACACGATAAGGAGGAATTCCATCTCTAAGGGAAAGGAAAAGACAGAAT-3'
Protein context (NP_004646.3, residues 321-341): GIPPYRVGSK[Lys331Asn]QLQREMHRSV